The following is an entry in ClinVar:

ClinVar aggregate classification (germline): Uncertain significance. Review status: criteria provided, multiple submitters, no conflicts (2 of 4 stars). 2 submissions from 2 submitters: Uncertain significance (2). Last evaluated 2022-06-20.

Conditions:
Congenital muscular dystrophy due to integrin alpha-7 deficiency. Also called: MYOPATHY, CONGENITAL, DUE TO INTEGRIN ALPHA-7 DEFICIENCY; Congenital muscular dystrophy with integrin alpha-7 deficiency; Muscular dystrophy, congenital, due to ITGA7 deficiency. Identifiers: Orphanet 34520, MedGen C2750786, MONDO:0013177, OMIM 613204.

Allele frequency attached by ClinVar (database versions not stated): gnomAD 0.00001; TOPMed 0.00001; gnomAD exomes 0.00002; ExAC 0.00003.
gnomAD v4.1: 12 of 1,613,808 alleles (0.00074%); highest among the groups gnomAD compares: Non-Finnish European, 0.001%; no homozygotes.

Submissions (2):

Labcorp Genetics (formerly Invitae), Labcorp
Classification: Uncertain significance for Congenital muscular dystrophy due to integrin alpha-7 deficiency. Last evaluated: 2022-06-20. Review status: criteria provided, single submitter. Criteria: Invitae Variant Classification Sherloc (09022015). Collection method: clinical testing. Allele origin: germline.
Comment: Algorithms developed to predict the effect of missense changes on protein structure and function (SIFT, PolyPhen-2, Align-GVGD) all suggest that this variant is likely to be tolerated. ClinVar contains an entry for this variant (Variation ID: 846277). This variant has not been reported in the literature in individuals affected with ITGA7-related conditions. This variant is present in population databases (rs772387657, gnomAD 0.005%). This sequence change replaces histidine, which is basic and polar, with leucine, which is neutral and non-polar, at codon 364 of the ITGA7 protein (p.His364Leu). In summary, the available evidence is currently insufficient to determine the role of this variant in disease. Therefore, it has been classified as a Variant of Uncertain Significance.

Revvity Omics, Revvity
Classification: Uncertain significance for Congenital muscular dystrophy due to integrin alpha-7 deficiency. Last evaluated: 2022-03-10. Review status: criteria provided, single submitter. Criteria: ACMG Guidelines, 2015. Collection method: clinical testing. Allele origin: germline.

NM_002206.3(ITGA7):c.1091A>T (p.His364Leu)

Gene: ITGA7 (integrin subunit alpha 7; minus strand). Cytogenetic location: 12q13.2.
Variant type: single nucleotide variant.
Coding change: c.1091A>T on transcript NM_002206.3 (MANE Select); coding-DNA position 1091, A replaced by T.
Protein change: p.His364Leu; replaces histidine 364 with leucine.
Molecular consequence: missense variant. On other transcripts: 5 prime UTR variant (1).
Genome position (GRCh38, 1-based): chr12:55,698,484, T>A on the plus strand (A>T on the coding strand, the complement: ITGA7 is on the minus strand). VCF-style: chr12-55698484-T-A. GRCh37 (hg19) VCF-style: chr12-56092268-T-A.
Other names: c.1103A>T, p.His368Leu (NM_001144996.2, NM_001414029.1); c.812A>T, p.His271Leu (NM_001144997.2); c.764A>T, p.His255Leu (NM_001367993.1); c.-202A>T (NM_001367994.1); c.1091A>T, p.His364Leu (NM_001374465.1, NM_001414034.1); c.1223A>T, p.His408Leu (NM_001410977.1); c.971A>T, p.His324Leu (NM_001414032.1); c.908A>T, p.His303Leu (NM_001414033.1); and 1 more; short protein forms H255L, H271L, H364L, H368L, H408L, H303L, H324L, H251L.
Identifiers: ClinVar variation 846277 (VCV000846277.10), dbSNP rs772387657, ClinGen allele CA6616065.